The following is an entry in ClinVar:

ClinVar aggregate classification (germline): Likely benign. Review status: criteria provided, multiple submitters, no conflicts (2 of 4 stars). 2 submissions from 2 submitters: Likely benign (2). Last evaluated 2026-09-15.

Conditions:
CDC42BPB-related disorder.

gnomAD v4.1: 128 of 1,578,728 alleles (0.0081%); highest among the groups gnomAD compares: Admixed American, 0.02%; no homozygotes.

Submissions (2):

PreventionGenetics, part of Exact Sciences
Classification: Likely benign for CDC42BPB-related condition. Last evaluated: 2026-09-15. Review status: criteria provided, single submitter. Criteria: ACMG Guidelines, 2015. Collection method: clinical testing. Allele origin: germline.
Comment: This variant is classified as likely benign based on ACMG/AMP sequence variant interpretation guidelines (Richards et al. 2015 PMID: 25741868, with internal and published modifications).

CeGaT Center for Human Genetics Tuebingen
Classification: Likely benign. Last evaluated: 2026-07-01. Review status: criteria provided, single submitter. Criteria: CeGaT Center For Human Genetics Tuebingen Variant Classification Criteria Version 2. Collection method: clinical testing. Allele origin: germline. Affected: yes. Observed: 1 variant allele.
Comment: CDC42BPB: BP4, BP7

NM_006035.4(CDC42BPB):c.4431G>A (p.Thr1477=)

Gene: CDC42BPB (CDC42 binding protein kinase beta; minus strand). Cytogenetic location: 14q32.32.
Variant type: single nucleotide variant.
Coding change: c.4431G>A on transcript NM_006035.4 (MANE Select); coding-DNA position 4431, G replaced by A.
Protein change: p.Thr1477=; no amino-acid change (threonine 1477 retained).
Molecular consequence: synonymous variant.
Genome position (GRCh38, 1-based): chr14:102,940,302, C>T on the plus strand (G>A on the coding strand, the complement: CDC42BPB is on the minus strand). VCF-style: chr14-102940302-C-T. GRCh37 (hg19) VCF-style: chr14-103406639-C-T.
Other names: c.4353G>A, p.Thr1451= (NM_001411054.1).
Identifiers: ClinVar variation 4979256 (VCV004979256.2).